The following is an entry in ClinVar:

NM_000138.5(FBN1):c.7487G>T (p.Cys2496Phe)

Gene: FBN1 (fibrillin 1; minus strand). Cytogenetic location: 15q21.1.
Variant type: single nucleotide variant.
Coding change: c.7487G>T on transcript NM_000138.5 (MANE Select); coding-DNA position 7487, G replaced by T.
Protein change: p.Cys2496Phe; replaces cysteine 2496 with phenylalanine.
Molecular consequence: missense variant.
Genome position (GRCh38, 1-based): chr15:48,422,035, C>A on the plus strand (G>T on the coding strand, the complement: FBN1 is on the minus strand). VCF-style: chr15-48422035-C-A. GRCh37 (hg19) VCF-style: chr15-48714232-C-A.
Other names: short protein forms C2496F.
Identifiers: ClinVar variation 549414 (VCV000549414.8), dbSNP rs1555394245, ClinGen allele CA392326065.
Genomic context (GRCh38, chr15:48,422,035, plus strand): 5'-GTAAATCCGGGAGGACATTTGCATGTGAAGCCGCCAATGGTGTTAACACATAGGAACTGG[C>A]AGTTGTGTTGCTTGGTTGCACACTCATCAAGATCTACAAGAAAATGCAAGAGAGGCATTT-3'
Protein context (NP_000129.3, residues 2486-2506): LDECATKQHN[Cys2496Phe]QFLCVNTIGG

ClinVar aggregate classification (germline): Pathogenic. Review status: criteria provided, single submitter (1 of 4 stars). 2 submissions from 2 submitters: Pathogenic (1). 1 of the submissions does not count toward it. Last evaluated 2025-08-21.

Conditions:
Familial thoracic aortic aneurysm and aortic dissection (TAAD). Also called: Thoracic aortic aneurysms and dissections. Identifiers: Orphanet 91387, MedGen C4707243, MONDO:0019625.
Marfan syndrome (MFS). Also called: Marfan syndrome type 1; Marfan syndrome, classic; Marfan's syndrome; FBN1-Related Marfan Syndrome; MARFAN SYNDROME, TYPE I. Identifiers: Orphanet 284963, Orphanet 558, MedGen C0024796, MONDO:0007947, OMIM 154700.

Submissions (2):

Labcorp Genetics (formerly Invitae), Labcorp
Classification: Pathogenic for Marfan syndrome; Familial thoracic aortic aneurysm and aortic dissection. Last evaluated: 2025-08-21. Review status: criteria provided, single submitter. Criteria: Invitae Variant Classification Sherloc (09022015). Collection method: clinical testing. Allele origin: germline.
Comment: This sequence change replaces cysteine, which is neutral and slightly polar, with phenylalanine, which is neutral and non-polar, at codon 2496 of the FBN1 protein (p.Cys2496Phe). This variant is not present in population databases (gnomAD no frequency). This missense change has been observed in individuals with clinical features of Marfan syndrome (PMID: 31211624, 33648514; internal data). ClinVar contains an entry for this variant (Variation ID: 549414). Invitae Evidence Modeling of protein sequence and biophysical properties (such as structural, functional, and spatial information, amino acid conservation, physicochemical variation, residue mobility, and thermodynamic stability) indicates that this missense variant is expected to disrupt FBN1 protein function with a positive predictive value of 95%. This variant affects a cysteine residue in the EGF-like, TGFBP or hybrid motif domains of FBN1. Cysteine residues are believed to be involved in intramolecular disulfide bridges and have been shown to be important for FBN1 protein structure (PMID: 16905551, 19349279). In addition, missense substitutions affecting cysteine residues within these domains are significantly overrepresented among patients with Marfan syndrome (PMID: 16571647, 17701892). This variant disrupts the p.Cys2496 amino acid residue in FBN1. Other variant(s) that disrupt this residue have been observed in individuals with FBN1-related conditions (PMID: 19839986, 24161884, 25644172), which suggests that this may be a clinically significant amino acid residue. For these reasons, this variant has been classified as Pathogenic.

Center for Medical Genetics Ghent, University of Ghent
Classification: Likely pathogenic for Marfan syndrome. Last evaluated: 2017-11-07. Review status: no assertion criteria provided. Collection method: clinical testing. Allele origin: germline. Affected: yes. Not counted in ClinVar's aggregate classification.

Literature cited by the submitters: PubMed 31211624 (cited by Labcorp Genetics (formerly Invitae), Labcorp); PubMed 33648514 (cited by Labcorp Genetics (formerly Invitae), Labcorp); PubMed 16905551 (cited by Labcorp Genetics (formerly Invitae), Labcorp); PubMed 19349279 (cited by Labcorp Genetics (formerly Invitae), Labcorp); PubMed 16571647 (cited by Labcorp Genetics (formerly Invitae), Labcorp); PubMed 17701892 (cited by Labcorp Genetics (formerly Invitae), Labcorp); PubMed 19839986 (cited by Labcorp Genetics (formerly Invitae), Labcorp); PubMed 24161884 (cited by Labcorp Genetics (formerly Invitae), Labcorp); PubMed 25644172 (cited by Labcorp Genetics (formerly Invitae), Labcorp).